The following is an entry in ClinVar:

NM_022356.4(P3H1):c.148G>A (p.Asp50Asn)

Gene: P3H1 (prolyl 3-hydroxylase 1; minus strand). Cytogenetic location: 1p34.2.
Variant type: single nucleotide variant.
Coding change: c.148G>A on transcript NM_022356.4 (MANE Select); coding-DNA position 148, G replaced by A.
Protein change: p.Asp50Asn; replaces aspartic acid 50 with asparagine.
Molecular consequence: missense variant.
Genome position (GRCh38, 1-based): chr1:42,766,824, C>T on the plus strand (G>A on the coding strand, the complement: P3H1 is on the minus strand). VCF-style: chr1-42766824-C-T. GRCh37 (hg19) VCF-style: chr1-43232495-C-T.
Other names: c.148G>A, p.Asp50Asn (NM_001146289.2, NM_001243246.2); short protein forms D50N.
Identifiers: ClinVar variation 655976 (VCV000655976.7), dbSNP rs375176399, ClinGen allele CA802224.
Genomic context (GRCh38, chr1:42,766,824, plus strand): 5'-CGCGGAGGGCTGCCCGGGAGCGCAGCGCCCGTTCCATGCTCAGGACCACCCCGGGCCAGT[C>T]CCCGCGCGCGTAGGCTGCGGTCCCCTCGGCGAAGAGCAGATCAGGCGTCACCATGCCCCA-3'
Protein context (NP_071751.3, residues 40-60): AEGTAAYARG[Asp50Asn]WPGVVLSMER

ClinVar aggregate classification (germline): Uncertain significance. Review status: criteria provided, multiple submitters, no conflicts (2 of 4 stars). 3 submissions from 3 submitters: Uncertain significance (3). Last evaluated 2023-12-19.

Conditions:
Osteogenesis imperfecta type 8 (OI8). Identifiers: MedGen C1970458, MONDO:0012581, OMIM 610915.

Allele frequency attached by ClinVar (database versions not stated): gnomAD 0.00001; TOPMed 0.00001; gnomAD exomes 0.00002; ExAC 0.00001.
gnomAD v4.1: 28 of 1,604,100 alleles (0.0017%); highest among the groups gnomAD compares: Admixed American, 0.0067%; no homozygotes.

Submissions (3):

Women's Health and Genetics/Laboratory Corporation of America, LabCorp
Classification: Uncertain significance. Last evaluated: 2023-12-19. Review status: criteria provided, single submitter. Criteria: LabCorp Variant Classification Summary - May 2015. Collection method: clinical testing. Allele origin: germline.
Comment: Variant summary: P3H1 c.148G>A (p.Asp50Asn) results in a conservative amino acid change in the encoded protein sequence. Three of five in-silico tools predict a damaging effect of the variant on protein function. The variant allele was found at a frequency of 1.7e-05 in 229820 control chromosomes. The available data on variant occurrences in the general population are insufficient to allow any conclusion about variant significance. To our knowledge, no occurrence of c.148G>A in individuals affected with Osteogenesis Imperfecta and no experimental evidence demonstrating its impact on protein function have been reported. One submitter has cited clinical-significance assessments for this variant to ClinVar after 2014 and has classified the variant as uncertain significance. Based on the evidence outlined above, the variant was classified as uncertain significance.

ARUP Laboratories, Molecular Genetics and Genomics, ARUP Laboratories
Classification: Uncertain significance for Osteogenesis imperfecta type 8. Last evaluated: 2023-05-30. Review status: criteria provided, single submitter. Criteria: ARUP Molecular Germline Variant Investigation Process 2024. Collection method: clinical testing. Allele origin: germline.
Comment: The P3H1 c.148G>A; p.Asp50Asn variant (rs375176399), to our knowledge, is not reported in the medical literature but is reported in ClinVar (Variation ID: 655976). This variant is found in the general population with an allele frequency of 0.002% (5/261206 alleles) in the Genome Aggregation Database. Computational analyses are uncertain whether this variant is neutral or deleterious (REVEL: 0.261). Due to limited information, the clinical significance of this variant is uncertain at this time.

Labcorp Genetics (formerly Invitae), Labcorp
Classification: Uncertain significance for Osteogenesis imperfecta type 8. Last evaluated: 2022-07-25. Review status: criteria provided, single submitter. Criteria: Invitae Variant Classification Sherloc (09022015). Collection method: clinical testing. Allele origin: germline.
Comment: This sequence change replaces aspartic acid, which is acidic and polar, with asparagine, which is neutral and polar, at codon 50 of the P3H1 protein (p.Asp50Asn). This variant is present in population databases (rs375176399, gnomAD 0.006%). This variant has not been reported in the literature in individuals affected with P3H1-related conditions. ClinVar contains an entry for this variant (Variation ID: 655976). Algorithms developed to predict the effect of missense changes on protein structure and function are either unavailable or do not agree on the potential impact of this missense change (SIFT: "Tolerated"; PolyPhen-2: "Probably Damaging"; Align-GVGD: "Class C0"). In summary, the available evidence is currently insufficient to determine the role of this variant in disease. Therefore, it has been classified as a Variant of Uncertain Significance.